The following is an entry in ClinVar:

ClinVar aggregate classification (germline): Uncertain significance (1 of 4 stars; one submission).

Conditions:
Myofibrillar myopathy 4. Also called: Zaspopathy (type). Identifiers: Orphanet 98912, MedGen C4721886, MONDO:0012277, OMIM 609452.

Allele frequency attached by ClinVar (database versions not stated): TOPMed below 0.00001.
gnomAD v4.1: 1 of 1,613,074 alleles (0.000062%); highest among the groups gnomAD compares: South Asian, 0.0011%; no homozygotes.

Submission:

Labcorp Genetics (formerly Invitae), Labcorp
Classification: Uncertain significance for Myofibrillar myopathy 4. Last evaluated: 2024-01-04. Review status: criteria provided, single submitter. Criteria: Invitae Variant Classification Sherloc (09022015). Collection method: clinical testing. Allele origin: germline.
Comment: The LDB3 gene has multiple clinically relevant transcripts. This variant occurs in alternate transcript NM_007078.3, and corresponds to NM_001080116.1:c.*7288C>T in the primary transcript. This sequence change replaces threonine, which is neutral and polar, with isoleucine, which is neutral and non-polar, at codon 343 of the LDB3 protein (p.Thr343Ile). This variant is not present in population databases (gnomAD no frequency). This variant has not been reported in the literature in individuals affected with LDB3-related conditions. Experimental studies and prediction algorithms are not available or were not evaluated, and the functional significance of this variant is currently unknown. In summary, the available evidence is currently insufficient to determine the role of this variant in disease. Therefore, it has been classified as a Variant of Uncertain Significance.

NM_007078.3(LDB3):c.1028C>T (p.Thr343Ile)

Gene: LDB3 (LIM domain binding 3; plus strand). Cytogenetic location: 10q23.2.
Variant type: single nucleotide variant.
Coding change: c.1028C>T on transcript NM_007078.3 (MANE Select); coding-DNA position 1028, C replaced by T.
Protein change: p.Thr343Ile; replaces threonine 343 with isoleucine.
Molecular consequence: missense variant. On other transcripts: intron variant (4).
Genome position (GRCh38, 1-based): chr10:86,706,662, C>T. VCF-style: chr10-86706662-C-T. GRCh37 (hg19) VCF-style: chr10-88466419-C-T.
Other names: c.887C>T, p.Thr296Ile (NM_001368066.1); c.897-3243C>T (NM_001368064.1, NM_001368065.1); c.1101-3243C>T (NM_001171610.2); c.756-3243C>T (NM_001080114.2); short protein forms T296I, T343I.
Identifiers: ClinVar variation 2881741 (VCV002881741.3), dbSNP rs1846455836, ClinGen allele CA377447115.